The following is an entry in ClinVar:

NM_000085.5(CLCNKB):c.52C>T (p.Leu18=)

Gene: CLCNKB (chloride voltage-gated channel Kb; plus strand). Cytogenetic location: 1p36.13.
Variant type: single nucleotide variant.
Coding change: c.52C>T on transcript NM_000085.5 (MANE Select); coding-DNA position 52, C replaced by T.
Protein change: p.Leu18=; no amino-acid change (leucine 18 retained).
Molecular consequence: synonymous variant.
Genome position (GRCh38, 1-based): chr1:16,044,544, C>T. VCF-style: chr1-16044544-C-T. GRCh37 (hg19) VCF-style: chr1-16371039-C-T.
Identifiers: ClinVar variation 743308 (VCV000743308.31), dbSNP rs759045664, ClinGen allele CA623142.

ClinVar aggregate classification (germline): Likely benign. Review status: criteria provided, multiple submitters, no conflicts (2 of 4 stars). 3 submissions from 3 submitters: Likely benign (3). Last evaluated 2026-01-13.

Conditions:
Bartter disease type 4B. Also called: BARTTER SYNDROME, TYPE 4B, NEONATAL, WITH SENSORINEURAL DEAFNESS; BARTTER SYNDROME, TYPE 4B; Bartter syndrome, type 4b, digenic. Identifiers: Orphanet 112, MedGen C4310805, MONDO:0000909, OMIM 613090.
Bartter disease type 3. Also called: Bartter syndrome type 3. Identifiers: Orphanet 112, Orphanet 93605, MedGen C1846343, MONDO:0011822, OMIM 607364.

Allele frequency attached by ClinVar (database versions not stated): gnomAD 0.00003; gnomAD exomes 0.00003; TOPMed 0.00004; ExAC 0.00005.
gnomAD v4.1: 46 of 1,606,776 alleles (0.0029%); highest among the groups gnomAD compares: Admixed American, 0.0085%; no homozygotes.

Submissions (3):

Labcorp Genetics (formerly Invitae), Labcorp
Classification: Likely benign. Last evaluated: 2026-01-13. Review status: criteria provided, single submitter. Criteria: Invitae Variant Classification Sherloc (09022015). Collection method: clinical testing. Allele origin: germline.

CeGaT Center for Human Genetics Tuebingen
Classification: Likely benign. Last evaluated: 2023-01-01. Review status: criteria provided, single submitter. Criteria: CeGaT Center For Human Genetics Tuebingen Variant Classification Criteria Version 2. Collection method: clinical testing. Allele origin: germline. Affected: yes. Observed: 1 variant allele.
Comment: CLCNKB: BP4, BP7

Fulgent Genetics
Classification: Likely benign for Bartter disease type 3; Bartter disease type 4B. Last evaluated: 2022-04-22. Review status: criteria provided, single submitter. Criteria: ACMG Guidelines, 2015. Collection method: clinical testing. Allele origin: unknown.